The following is an entry in ClinVar:

NM_001378120.1(MBD5):c.133T>A (p.Ser45Thr)

Gene: MBD5 (methyl-CpG binding domain protein 5; plus strand). Cytogenetic location: 2q23.1.
Variant type: single nucleotide variant.
Coding change: c.133T>A on transcript NM_001378120.1 (MANE Select); coding-DNA position 133, T replaced by A.
Protein change: p.Ser45Thr; replaces serine 45 with threonine.
Molecular consequence: missense variant.
Genome position (GRCh38, 1-based): chr2:148,462,601, T>A. VCF-style: chr2-148462601-T-A. GRCh37 (hg19) VCF-style: chr2-149220170-T-A.
Other names: c.133T>A, p.Ser45Thr (NM_018328.5); short protein forms S45T.
Identifiers: ClinVar variation 1935153 (VCV001935153.5), dbSNP rs2469807730, ClinGen allele CA348716107.

ClinVar aggregate classification (germline): Uncertain significance (1 of 4 stars; one submission).

Conditions:
Intellectual developmental disorder, autosomal dominant 1. Also called: Intellectual disability, autosomal dominant 1; MBD5 Haploinsufficiency. Identifiers: Orphanet 228402, MedGen C1969562, MONDO:0007974, OMIM 156200.

Allele frequency attached by ClinVar (database versions not stated): gnomAD exomes below 0.00001.
gnomAD v4.1: 2 of 1,610,910 alleles (0.00012%); highest among the groups gnomAD compares: Non-Finnish European, 0.00017%; no homozygotes.

Submission:

Labcorp Genetics (formerly Invitae), Labcorp
Classification: Uncertain significance for Intellectual developmental disorder, autosomal dominant 1. Last evaluated: 2022-06-18. Review status: criteria provided, single submitter. Criteria: Invitae Variant Classification Sherloc (09022015). Collection method: clinical testing. Allele origin: germline.
Comment: In summary, the available evidence is currently insufficient to determine the role of this variant in disease. Therefore, it has been classified as a Variant of Uncertain Significance. Algorithms developed to predict the effect of missense changes on protein structure and function are either unavailable or do not agree on the potential impact of this missense change (SIFT: "Deleterious"; PolyPhen-2: "Not Available"; Align-GVGD: "Class C0"). This variant has not been reported in the literature in individuals affected with MBD5-related conditions. This variant is not present in population databases (gnomAD no frequency). This sequence change replaces serine, which is neutral and polar, with threonine, which is neutral and polar, at codon 45 of the MBD5 protein (p.Ser45Thr).